The following is an entry in ClinVar:

NM_001010867.4(IBA57):c.342-488_361del

Gene: IBA57 (iron-sulfur cluster assembly factor IBA57; plus strand). Cytogenetic location: 1q42.13.
Variant type: Deletion.
Coding change: c.342-488_361del on transcript NM_001010867.4 (MANE Select); 488 bases into the intron before coding-DNA position 342 through coding-DNA position 361, 508 bases deleted.
Molecular consequence: splice acceptor variant.
Genome position (GRCh38, 1-based): chr1:228,174,204-228,174,711, 508 bases deleted. GRCh37 (hg19): chr1:228,361,905-228,362,412.
Identifiers: ClinVar variation 2130852 (VCV002130852.4), ClinGen allele CA2580062263.

ClinVar aggregate classification (germline): Likely pathogenic (1 of 4 stars; one submission).

Conditions:
Multiple mitochondrial dysfunctions syndrome 3 (MMDS3). Identifiers: Orphanet 363424, MedGen C3809165, MONDO:0014132, OMIM 615330.
Hereditary spastic paraplegia 74. Also called: Spastic paraplegia 74, autosomal recessive. Identifiers: Orphanet 468661, MedGen C5568837, MONDO:0014644, OMIM 616451.

Submission:

Labcorp Genetics (formerly Invitae), Labcorp
Classification: Likely pathogenic for Multiple mitochondrial dysfunctions syndrome 3; Hereditary spastic paraplegia 74. Last evaluated: 2024-02-23. Review status: criteria provided, single submitter. Criteria: Invitae Variant Classification Sherloc (09022015). Collection method: clinical testing. Allele origin: germline.
Comment: This variant results in the deletion of part of exon 2 (c.342-488_361del) of the IBA57 gene. It is expected to disrupt RNA splicing. Variants that disrupt the donor or acceptor splice site typically lead to a loss of protein function (PMID: 16199547), and loss-of-function variants in IBA57 are known to be pathogenic (PMID: 23462291, 25971455, 27785568, 28671726). This variant is not present in population databases (gnomAD no frequency). This variant has not been reported in the literature in individuals affected with IBA57-related conditions. ClinVar contains an entry for this variant (Variation ID: 2130852). In summary, the currently available evidence indicates that the variant is pathogenic, but additional data are needed to prove that conclusively. Therefore, this variant has been classified as Likely Pathogenic.

Literature cited by the submitters: PubMed 16199547; PubMed 23462291; PubMed 25971455; PubMed 27785568; PubMed 28671726.